The following is an entry in ClinVar:

NM_198282.4(STING1):c.822C>G (p.Tyr274Ter)

Gene: STING1 (stimulator of interferon response cGAMP interactor 1; minus strand). Cytogenetic location: 5q31.2.
Variant type: single nucleotide variant.
Coding change: c.822C>G on transcript NM_198282.4 (MANE Select); coding-DNA position 822, C replaced by G.
Protein change: p.Tyr274Ter; replaces tyrosine 274 with a stop codon.
Molecular consequence: nonsense. On other transcripts: intron variant (1).
Genome position (GRCh38, 1-based): chr5:139,477,453, G>C on the plus strand (C>G on the coding strand, the complement: STING1 is on the minus strand). VCF-style: chr5-139477453-G-C. GRCh37 (hg19) VCF-style: chr5-138857038-G-C.
Other names: c.465C>G, p.Tyr155Ter (NM_001367258.1); c.759+817C>G (NM_001301738.2); short protein forms Y155*, Y274*.
Identifiers: ClinVar variation 3626610 (VCV003626610.2).
Genomic context (GRCh38, chr5:139,477,453, plus strand): 5'-TGTCCGGCAGAAGAGTTTGGCCTGCTCAAGCCTATCCTCCCGGCTAAAGCCAGCTTGACT[G>C]TATTGTGACATGGCAAACAAAGTCTGCAAGGGGGTGGCGTACTCCAGGACACAGGTGCCC-3'

ClinVar aggregate classification (germline): Uncertain significance (1 of 4 stars; one submission).

Conditions:
STING-associated vasculopathy with onset in infancy. Also called: Sting-associated vasculopathy, infantile-onset. Identifiers: Orphanet 425120, MedGen C4014722, MONDO:0014405, OMIM 615934.

Submission:

Labcorp Genetics (formerly Invitae), Labcorp
Classification: Uncertain significance for STING-associated vasculopathy with onset in infancy. Last evaluated: 2024-07-09. Review status: criteria provided, single submitter. Criteria: Invitae Variant Classification Sherloc (09022015). Collection method: clinical testing. Allele origin: germline.
Comment: This sequence change creates a premature translational stop signal (p.Tyr274*) in the TMEM173 gene. It is expected to result in an absent or disrupted protein product. However, the current clinical and genetic evidence is not sufficient to establish whether loss-of-function variants in TMEM173 cause disease. This variant is present in population databases (no rsID available, gnomAD 0.01%). This variant has not been reported in the literature in individuals affected with TMEM173-related conditions. In summary, the available evidence is currently insufficient to determine the role of this variant in disease. Therefore, it has been classified as a Variant of Uncertain Significance.